The following is an entry in ClinVar:

ClinVar aggregate classification (germline): Benign/Likely benign. Review status: criteria provided, multiple submitters, no conflicts (2 of 4 stars). 6 submissions from 6 submitters: Benign (3); Likely benign (2). 1 of the submissions does not count toward it. Last evaluated 2026-09-01.

Conditions:
GLDC-related disorder. Also called: GLDC-related condition.
Glycine encephalopathy. Also called: Nonketotic hyperglycinemia; Non-ketotic hyperglycinemia. Identifiers: Orphanet 407, MedGen C0751748, MONDO:0011612, HP:0008288.

Allele frequency attached by ClinVar (database versions not stated): ESP Exome Variant Server 0.00008; gnomAD 0.00058 and 0.00068; TOPMed 0.00080; ExAC 0.00123; 1000 Genomes Project 30x 0.00297; 1000 Genomes Project 0.00339.
gnomAD v4.1: 658 of 1,613,980 alleles (0.041%); highest among the groups gnomAD compares: East Asian, 0.92%; 6 homozygotes.

Submissions (6):

CeGaT Center for Human Genetics Tuebingen
Classification: Likely benign. Last evaluated: 2026-09-01. Review status: criteria provided, single submitter. Criteria: CeGaT Center For Human Genetics Tuebingen Variant Classification Criteria Version 2. Collection method: clinical testing. Allele origin: germline. Affected: yes. Observed: 5 variant alleles.
Comment: GLDC: BP4, BP7

Labcorp Genetics (formerly Invitae), Labcorp
Classification: Benign for Glycine encephalopathy. Last evaluated: 2026-02-03. Review status: criteria provided, single submitter. Criteria: Invitae Variant Classification Sherloc (09022015). Collection method: clinical testing. Allele origin: germline.

Blueprint Genetics
Classification: Likely benign. Last evaluated: 2024-10-23. Review status: criteria provided, single submitter. Criteria: ACMG Guidelines, 2015. Collection method: clinical testing. Allele origin: germline.

GeneDx
Classification: Benign. Last evaluated: 2019-12-11. Review status: criteria provided, single submitter. Criteria: GeneDx Variant Classification Process June 2021. Collection method: clinical testing. Allele origin: germline. Affected: yes.

Illumina Laboratory Services, Illumina
Classification: Benign for Glycine encephalopathy 1. Last evaluated: 2018-01-12. Review status: criteria provided, single submitter. Criteria: ICSL Variant Classification Criteria 13 December 2019. Collection method: clinical testing. Allele origin: germline.
Comment: This variant was observed in the ICSL laboratory as part of a predisposition screen in an ostensibly healthy population. It had not been previously curated by ICSL or reported in the Human Gene Mutation Database (HGMD: prior to June 1st, 2018), and was therefore a candidate for classification through an automated scoring system. Utilizing variant allele frequency, disease prevalence and penetrance estimates, and inheritance mode, an automated score was calculated to assess if this variant is too frequent to cause the disease. Based on the score and internal cut-off values, a variant classified as benign is not then subjected to further curation. The score for this variant resulted in a classification of benign for this disease.

PreventionGenetics, part of Exact Sciences
Classification: Benign for GLDC-related condition. Last evaluated: 2019-06-26. Review status: no assertion criteria provided. Collection method: clinical testing. Allele origin: germline. Not counted in ClinVar's aggregate classification.
Comment: This variant is classified as benign based on ACMG/AMP sequence variant interpretation guidelines (Richards et al. 2015 PMID: 25741868, with internal and published modifications).

NM_000170.3(GLDC):c.936C>T (p.Ile312=)

Gene: GLDC (glycine decarboxylase; minus strand). Cytogenetic location: 9p24.1.
Variant type: single nucleotide variant.
Coding change: c.936C>T on transcript NM_000170.3 (MANE Select); coding-DNA position 936, C replaced by T.
Protein change: p.Ile312=; no amino-acid change (isoleucine 312 retained).
Molecular consequence: synonymous variant.
Genome position (GRCh38, 1-based): chr9:6,604,710, G>A on the plus strand (C>T on the coding strand, the complement: GLDC is on the minus strand). VCF-style: chr9-6604710-G-A. GRCh37 (hg19) VCF-style: chr9-6604710-G-A.
Identifiers: ClinVar variation 462895 (VCV000462895.43), dbSNP rs79057118, ClinGen allele CA4980919.